The following is an entry in ClinVar:

ClinVar aggregate classification (germline): Likely pathogenic. Review status: criteria provided, multiple submitters, no conflicts (2 of 4 stars). 3 submissions from 3 submitters: Likely pathogenic (2). 1 of the submissions does not count toward it. Last evaluated 2019-02-01.

Conditions:
von Willebrand disease type 2 (VWD2). Also called: VON WILLEBRAND DISEASE, TYPE 2A/IIE; VON WILLEBRAND DISEASE, TYPE 2CB; VWD, TYPE 2; VON WILLEBRAND DISEASE, TYPE II. Identifiers: Orphanet 166081, Orphanet 903, MedGen C1264040, MONDO:0013304, OMIM 613554.
Hereditary von Willebrand disease. Identifiers: Orphanet 903, MedGen C5703318, MONDO:0019565. Inheritance: Autosomal recessive or Autosomal dominant.

Allele frequency attached by ClinVar (database versions not stated): gnomAD exomes below 0.00001.
gnomAD v4.1: 2 of 1,613,892 alleles (0.00012%); highest among the groups gnomAD compares: Non-Finnish European, 0.00017%; no homozygotes.

Submissions (3):

NIHR Bioresource Rare Diseases, University of Cambridge
Classification: Likely pathogenic for von Willebrand disorder. Last evaluated: 2019-02-01. Review status: criteria provided, single submitter. Criteria: ACMG Guidelines, 2015. Collection method: research. Allele origin: unknown. Affected: yes. Observed: 1 heterozygote. Study: ThromboGenomics.

ISTH-SSC Genomics in Thrombosis and Hemostasis, KU Leuven, Center for Molecular and Vascular Biology
Classification: Likely pathogenic for von Willebrand disease type 2. Review status: criteria provided, single submitter. Criteria: ACMG Guidelines, 2015. Collection method: clinical testing. Allele origin: germline. Affected: yes. Observed: 3 heterozygotes, 1 compound heterozygote. Clinical features observed: Low von Willebrand antigen and activity, Bleeding, prolonged PFA, Low factor VIII.
Comment: Submitted to GoldVariant by Kathleen Freson, Center for Molecular and Vascular Biology, Leuven, Belgium

Academic Unit of Haematology, University of Sheffield
No classification provided. Review status: no classification provided. Collection method: not provided. Allele origin: not provided. Not counted in ClinVar's aggregate classification.

Literature cited by the submitters: PubMed 31064749 (cited by NIHR Bioresource Rare Diseases, University of Cambridge).

NM_000552.5(VWF):c.3359G>C (p.Trp1120Ser)

Gene: VWF (von Willebrand factor; minus strand). Cytogenetic location: 12p13.31.
Variant type: single nucleotide variant.
Coding change: c.3359G>C on transcript NM_000552.5 (MANE Select); coding-DNA position 3359, G replaced by C.
Protein change: p.Trp1120Ser; replaces tryptophan 1120 with serine.
Molecular consequence: missense variant.
Genome position (GRCh38, 1-based): chr12:6,023,651, C>G on the plus strand (G>C on the coding strand, the complement: VWF is on the minus strand). VCF-style: chr12-6023651-C-G. GRCh37 (hg19) VCF-style: chr12-6132817-C-G.
Other names: short protein forms W1120S.
Identifiers: ClinVar variation 100256 (VCV000100256.5), dbSNP rs267607321, ClinGen allele CA228396.